The following is an entry in ClinVar:

ClinVar aggregate classification (germline): Uncertain significance (1 of 4 stars; one submission).

gnomAD v4.1: 1 of 1,614,104 alleles (0.000062%); highest among the groups gnomAD compares: Admixed American, 0.0017%; no homozygotes.

Submission:

Labcorp Genetics (formerly Invitae), Labcorp
Classification: Uncertain significance. Last evaluated: 2025-04-02. Review status: criteria provided, single submitter. Criteria: Invitae Variant Classification Sherloc (09022015). Collection method: clinical testing. Allele origin: germline.
Comment: This sequence change replaces proline, which is neutral and non-polar, with serine, which is neutral and polar, at codon 783 of the FNIP1 protein (p.Pro783Ser). This variant is present in population databases (no rsID available, gnomAD 0.003%). This variant has not been reported in the literature in individuals affected with FNIP1-related conditions. An algorithm developed to predict the effect of missense changes on protein structure and function (PolyPhen-2) suggests that this variant is likely to be tolerated. In summary, the available evidence is currently insufficient to determine the role of this variant in disease. Therefore, it has been classified as a Variant of Uncertain Significance.

NM_133372.3(FNIP1):c.2347C>T (p.Pro783Ser)

Gene: FNIP1 (folliculin interacting protein 1; minus strand). Cytogenetic location: 5q31.1.
Variant type: single nucleotide variant.
Coding change: c.2347C>T on transcript NM_133372.3 (MANE Select); coding-DNA position 2347, C replaced by T.
Protein change: p.Pro783Ser; replaces proline 783 with serine.
Molecular consequence: missense variant.
Genome position (GRCh38, 1-based): chr5:131,672,097, G>A on the plus strand (C>T on the coding strand, the complement: FNIP1 is on the minus strand). VCF-style: chr5-131672097-G-A. GRCh37 (hg19) VCF-style: chr5-131007790-G-A.
Other names: c.2263C>T, p.Pro755Ser (NM_001008738.3); c.2212C>T, p.Pro738Ser (NM_001346114.2); short protein forms P755S, P738S, P783S.
Identifiers: ClinVar variation 4691033 (VCV004691033.1).
Genomic context (GRCh38, chr5:131,672,097, plus strand): 5'-CCTTGGTTGTTTGTTTAGTTTCTTGATGCTGATCAATAGCCCCTCTTTCTTCCTTCAATG[G>A]TTTGGTGTGATGTCTGGTAATCTGATCCACCACTGCCTGACTTCGAAGCTCAGTATCTGA-3'
Protein context (NP_588613.3, residues 773-793): VDQITRHHTK[Pro783Ser]LKEERGAIDQ